The following is an entry in ClinVar:

ClinVar aggregate classification (germline): Uncertain significance (1 of 4 stars; one submission).

Submission:

Labcorp Genetics (formerly Invitae), Labcorp
Classification: Uncertain significance. Last evaluated: 2019-05-09. Review status: criteria provided, single submitter. Criteria: Invitae Variant Classification Sherloc (09022015). Collection method: clinical testing. Allele origin: germline.
Comment: This variant results in a copy number gain of the genomic region encompassing exons 1-5 of the SMARCB1 gene. The 5' end of this event is unknown as it extends beyond the assayed region for this gene and therefore may encompass additional genes. The 3' boundary is likely confined to intron 5 of the SMARCB1 gene, which includes the initiator codon. As the precise location of this event is unknown, it may be in tandem or it may be located elsewhere in the genome. This variant has not been reported in the literature in individuals with SMARCB1-related conditions. In summary, the available evidence is currently insufficient to determine the role of this variant in disease. Therefore, it has been classified as a Variant of Uncertain Significance.

NC_000022.11:g.(?_23787160)_(23803432_?)dup

Gene: SMARCB1 (SWI/SNF related BAF chromatin remodeling complex subunit B1; plus strand). Cytogenetic location: 22q11.23.
Variant type: Duplication.
Identifiers: ClinVar variation 831356 (VCV000831356.1).